The following is an entry in ClinVar:

NM_000222.3(KIT):c.1726C>T (p.Leu576Phe)

Gene: KIT (KIT proto-oncogene, receptor tyrosine kinase; plus strand). Cytogenetic location: 4q12.
Variant type: single nucleotide variant.
Coding change: c.1726C>T on transcript NM_000222.3 (MANE Select); coding-DNA position 1726, C replaced by T.
Protein change: p.Leu576Phe; replaces leucine 576 with phenylalanine.
Molecular consequence: missense variant.
Genome position (GRCh38, 1-based): chr4:54,727,494, C>T. VCF-style: chr4-54727494-C-T. GRCh37 (hg19) VCF-style: chr4-55593660-C-T.
Other names: c.1714C>T, p.Leu572Phe (NM_001093772.2, NM_001385286.1); c.1729C>T, p.Leu577Phe (NM_001385284.1, NM_001385290.1); c.1726C>T, p.Leu576Phe (NM_001385285.1); c.1717C>T, p.Leu573Phe (NM_001385288.1, NM_001385292.1); short protein forms L576F, L577F, L573F, L572F.
Identifiers: ClinVar variation 1466788 (VCV001466788.6), dbSNP rs1313877141, ClinGen allele CA356907576.
Genomic context (GRCh38, chr4:54,727,494, plus strand): 5'-CAGTGGAAGGTTGTTGAGGAGATAAATGGAAACAATTATGTTTACATAGACCCAACACAA[C>T]TTCCTTATGATCACAAATGGGAGTTTCCCAGAAACAGGCTGAGTTTTGGTCAGTATGAAA-3'
Protein context (NP_000213.1, residues 566-586): NNYVYIDPTQ[Leu576Phe]PYDHKWEFPR

ClinVar aggregate classification (germline): Uncertain significance (1 of 4 stars; one submission).

Conditions:
Gastrointestinal stromal tumor. Also called: Gastrointestinal stroma tumor; Gastrointestinal stromal tumor, somatic. Identifiers: Orphanet 44890, MedGen C0238198, MeSH D046152, MONDO:0011719, OMIM 606764, HP:0100723.

Allele frequency attached by ClinVar (database versions not stated): gnomAD exomes below 0.00001; TOPMed below 0.00001.
gnomAD v4.1: 3 of 1,614,112 alleles (0.00019%); highest among the groups gnomAD compares: Non-Finnish European, 0.00025%; no homozygotes.

Submission:

Labcorp Genetics (formerly Invitae), Labcorp
Classification: Uncertain significance for Gastrointestinal stromal tumor. Last evaluated: 2022-08-03. Review status: criteria provided, single submitter. Criteria: Invitae Variant Classification Sherloc (09022015). Collection method: clinical testing. Allele origin: germline.
Comment: In summary, the available evidence is currently insufficient to determine the role of this variant in disease. Therefore, it has been classified as a Variant of Uncertain Significance. This variant disrupts the p.Leu576 amino acid residue in KIT. Other variant(s) that disrupt this residue have been determined to be pathogenic (PMID: 23598963, 27771813; Invitae). This suggests that this residue is clinically significant, and that variants that disrupt this residue are likely to be disease-causing. Algorithms developed to predict the effect of missense changes on protein structure and function are either unavailable or do not agree on the potential impact of this missense change (SIFT: "Deleterious"; PolyPhen-2: "Probably Damaging"; Align-GVGD: "Class C15"). ClinVar contains an entry for this variant (Variation ID: 1466788). This variant has not been reported in the literature in individuals affected with KIT-related conditions. This variant is not present in population databases (gnomAD no frequency). This sequence change replaces leucine, which is neutral and non-polar, with phenylalanine, which is neutral and non-polar, at codon 576 of the KIT protein (p.Leu576Phe).

Literature cited by the submitters: PubMed 23598963; PubMed 27771813.